The following is an entry in ClinVar:

ClinVar aggregate classification (germline): Pathogenic (1 of 4 stars; one submission).

Conditions:
Fabry disease. Also called: ALPHA-GALACTOSIDASE A DEFICIENCY; ANDERSON-FABRY DISEASE; CERAMIDE TRIHEXOSIDASE DEFICIENCY; GLA DEFICIENCY; HEREDITARY DYSTOPIC LIPIDOSIS; Angiokeratoma corporis diffusum. Identifiers: Orphanet 324, MedGen C0002986, MONDO:0010526, OMIM 301500, HP:0001071. Disease mechanism: Fabry disease is due to inactivating mutations in the X-linked GLA gene resulting in deficiency of the enzyme Alpha Galactosidase-A., loss of function.

Submission:

Genomenon, Inc
Classification: Pathogenic for Fabry disease. Last evaluated: 2026-09-08. Review status: criteria provided, single submitter. Criteria: Genomenon Sequence Variant Interpretation Standards - Updated. Collection method: curation. Allele origin: germline. Affected: yes.
Comment: GLA p.Tyr184Cys (c.551A>G) is a missense variant that changes the amino acid at codon 184 from Tyrosine to Cysteine. This variant has been observed in at least one proband with clinical features consistent with Fabry disease (PMID:36140787;35338595). The variant was found to segregate with disease in at least one affected family (PMID:35338595;36140787). At least one functional study has demonstrated a substantial alteration in protein function relative to the wild-type (PMID:27657681). It is absent or not present at a significant frequency in gnomAD. In silico models predict that this variant is possibly or probably damaging. In conclusion, we classify GLA p.Tyr184Cys (c.551A>G) as a pathogenic variant.

Literature cited by the submitters: PubMed 36140787; PubMed 35338595; PubMed 27657681.

NM_000169.3(GLA):c.551A>G (p.Tyr184Cys)

Genes: GLA (galactosidase alpha; minus strand), RPL36A-HNRNPH2 (RPL36A-HNRNPH2 readthrough; plus strand). Cytogenetic location: Xq22.1.
Variant type: single nucleotide variant.
Coding change: c.551A>G on transcript NM_000169.3 (MANE Select); coding-DNA position 551, A replaced by G.
Protein change: p.Tyr184Cys; replaces tyrosine 184 with cysteine.
Molecular consequence: missense variant. On other transcripts: non-coding transcript variant (2), intron variant (2).
Genome position (GRCh38, 1-based): chrX:101,400,754, T>C on the plus strand (A>G on the coding strand, the complement: GLA is on the minus strand). VCF-style: chrX-101400754-T-C. GRCh37 (hg19) VCF-style: chrX-100655742-T-C.
Other names: c.674A>G, p.Tyr225Cys (NM_001406747.1); c.551A>G, p.Tyr184Cys (NM_001406748.1); c.300+5297T>C (NM_001199973.2); c.177+8932T>C (NM_001199974.2); short protein forms Y184C, Y225C.
Identifiers: ClinVar variation 4087417 (VCV004087417.2).